The following is an entry in ClinVar:

NM_007129.5(ZIC2):c.685G>A (p.Ala229Thr)

Gene: ZIC2 (Zic family zinc finger 2; plus strand). Cytogenetic location: 13q32.3.
Variant type: single nucleotide variant.
Coding change: c.685G>A on transcript NM_007129.5 (MANE Select); coding-DNA position 685, G replaced by A.
Protein change: p.Ala229Thr; replaces alanine 229 with threonine.
Molecular consequence: missense variant.
Genome position (GRCh38, 1-based): chr13:99,982,749, G>A. VCF-style: chr13-99982749-G-A. GRCh37 (hg19) VCF-style: chr13-100635003-G-A.
Other names: short protein forms A229T.
Identifiers: ClinVar variation 4771675 (VCV004771675.1).

ClinVar aggregate classification (germline): Uncertain significance (1 of 4 stars; one submission).

Conditions:
Holoprosencephaly 5 (HPE5). Identifiers: Orphanet 2162, MedGen C1864827, MONDO:0012322, OMIM 609637.

Submission:

Labcorp Genetics (formerly Invitae), Labcorp
Classification: Uncertain significance for Holoprosencephaly 5. Last evaluated: 2025-05-05. Review status: criteria provided, single submitter. Criteria: Invitae Variant Classification Sherloc (09022015). Collection method: clinical testing. Allele origin: germline.
Comment: This sequence change replaces alanine, which is neutral and non-polar, with threonine, which is neutral and polar, at codon 229 of the ZIC2 protein (p.Ala229Thr). This variant is not present in population databases (gnomAD no frequency). This variant has not been reported in the literature in individuals affected with ZIC2-related conditions. An algorithm developed to predict the effect of missense changes on protein structure and function (PolyPhen-2) suggests that this variant is likely to be disruptive. In summary, the available evidence is currently insufficient to determine the role of this variant in disease. Therefore, it has been classified as a Variant of Uncertain Significance.